The following is an entry in ClinVar:

NM_001242957.3(MAK):c.1818_1821del (p.Arg607fs)

Gene: MAK (male germ cell associated kinase; minus strand). Cytogenetic location: 6p24.2.
Variant type: Deletion.
Coding change: c.1818_1821del on transcript NM_001242957.3 (MANE Select); coding-DNA positions 1818 to 1821, 4 bases deleted (TCGG; older notation c.1818_1821delTCGG).
Protein change: p.Arg607fs; shifts the reading frame from arginine 607.
Molecular consequence: frameshift variant. On other transcripts: non-coding transcript variant (2).
Genome position (GRCh38, 1-based): chr6:10,764,578-10,764,581, CCGA deleted on the plus strand (TCGG on the coding strand, the reverse complement: MAK is on the minus strand); deleting any 4 consecutive bases within chr6:10,764,578-10,764,583 gives the same sequence; the c. name uses the placement nearest the transcript's 3' end. VCF-style (leftmost placement, unchanged base first): chr6-10764577-CCCGA-C. GRCh37 (hg19) VCF-style: chr6-10764810-CCCGA-C.
Other names: c.1623_1626del, p.Arg542fs (NM_001242385.2); c.1521_1524del, p.Arg508fs (NM_001377262.1); c.1743_1746del, p.Arg582fs (NM_005906.6); short protein forms R607fs, R582fs, R508fs, R542fs.
Identifiers: ClinVar variation 2121624 (VCV002121624.1), dbSNP rs760121453, ClinGen allele CA3633331.

ClinVar aggregate classification (germline): Uncertain significance (1 of 4 stars; one submission).

Submission:

Labcorp Genetics (formerly Invitae), Labcorp
Classification: Uncertain significance. Last evaluated: 2022-04-04. Review status: criteria provided, single submitter. Criteria: Invitae Variant Classification Sherloc (09022015). Collection method: clinical testing. Allele origin: germline.
Comment: This sequence change creates a premature translational stop signal (p.Arg607Glyfs*15) in the MAK gene. While this is not anticipated to result in nonsense mediated decay, it is expected to disrupt the last 42 amino acid(s) of the MAK protein. This variant is present in population databases (rs760121453, gnomAD 0.002%). This variant has not been reported in the literature in individuals affected with MAK-related conditions. Experimental studies and prediction algorithms are not available or were not evaluated, and the functional significance of this variant is currently unknown. This variant disrupts the C-terminus of the MAK protein. Other variant(s) that disrupt this region (p.Gln609*) have been observed in individuals with MAK-related conditions (PMID: 33247286). This suggests that this may be a clinically significant region of the protein. In summary, the available evidence is currently insufficient to determine the role of this variant in disease. Therefore, it has been classified as a Variant of Uncertain Significance.

Literature cited by the submitters: PubMed 33247286.